The following is an entry in ClinVar:

NM_004006.3(DMD):c.119T>A (p.Leu40His)

Gene: DMD (dystrophin; minus strand). Cytogenetic location: Xp21.1.
Variant type: single nucleotide variant.
Coding change: c.119T>A on transcript NM_004006.3 (MANE Select); coding-DNA position 119, T replaced by A.
Protein change: p.Leu40His; replaces leucine 40 with histidine.
Molecular consequence: missense variant. On other transcripts: 5 prime UTR variant (1).
Genome position (GRCh38, 1-based): chrX:32,849,795, A>T on the plus strand (T>A on the coding strand, the complement: DMD is on the minus strand). VCF-style: chrX-32849795-A-T. GRCh37 (hg19) VCF-style: chrX-32867912-A-T.
Other names: c.95T>A, p.Leu32His (NM_000109.4); c.107T>A, p.Leu36His (NM_004009.3); c.-251T>A (NM_004010.3); short protein forms L36H, L40H, L32H.
Identifiers: ClinVar variation 2099203 (VCV002099203.4), dbSNP rs2524951805, ClinGen allele CA412674950.

ClinVar aggregate classification (germline): Uncertain significance (1 of 4 stars; one submission).

Conditions:
Duchenne muscular dystrophy (DMD). Also called: MUSCULAR DYSTROPHY, PSEUDOHYPERTROPHIC PROGRESSIVE, DUCHENNE TYPE; Duchenne Muscular Dystrophy (DMD). Identifiers: Orphanet 98896, MedGen C0013264, MONDO:0010679, OMIM 310200.

Submission:

Labcorp Genetics (formerly Invitae), Labcorp
Classification: Uncertain significance for Duchenne muscular dystrophy. Last evaluated: 2022-03-11. Review status: criteria provided, single submitter. Criteria: Invitae Variant Classification Sherloc (09022015). Collection method: clinical testing. Allele origin: germline.
Comment: This sequence change replaces leucine, which is neutral and non-polar, with histidine, which is basic and polar, at codon 40 of the DMD protein (p.Leu40His). This variant is not present in population databases (gnomAD no frequency). This missense change has been observed in individual(s) with clinical features of Becker muscular dystrophy (PMID: 32055135). Algorithms developed to predict the effect of missense changes on protein structure and function (SIFT, PolyPhen-2, Align-GVGD) all suggest that this variant is likely to be disruptive. In summary, the available evidence is currently insufficient to determine the role of this variant in disease. Therefore, it has been classified as a Variant of Uncertain Significance.

Literature cited by the submitters: PubMed 32055135.